The following is an entry in ClinVar:

ClinVar aggregate classification (germline): Uncertain significance. Review status: criteria provided, multiple submitters, no conflicts (2 of 4 stars). 2 submissions from 2 submitters: Uncertain significance (2). Last evaluated 2024-06-28.

Conditions:
Hereditary breast ovarian cancer syndrome. Also called: Hereditary breast and ovarian cancer syndrome; Breast and ovarian cancer; Hereditary breast and ovarian cancer; Hereditary breast and/or ovarian cancer syndrome; Hereditary breast and ovarian cancer syndrome (HBOC); BRCA1- and BRCA2-Associated Hereditary Breast and Ovarian Cancer. Identifiers: Orphanet 145, MedGen C0677776, MeSH D061325, MONDO:0003582. Disease mechanism: loss of function.
Hereditary cancer-predisposing syndrome. Also called: Hereditary neoplastic syndrome; Tumor predisposition; Neoplastic Syndromes, Hereditary; Hereditary Cancer Syndrome. Identifiers: Orphanet 140162, MedGen C0027672, MeSH D009386, MONDO:0015356.

Submissions (2):

Labcorp Genetics (formerly Invitae), Labcorp
Classification: Uncertain significance for Hereditary breast ovarian cancer syndrome. Last evaluated: 2024-06-28. Review status: criteria provided, single submitter. Criteria: Invitae Variant Classification Sherloc (09022015). Collection method: clinical testing. Allele origin: germline.
Comment: This sequence change replaces glutamic acid, which is acidic and polar, with valine, which is neutral and non-polar, at codon 141 of the BRCA1 protein (p.Glu141Val). This variant is not present in population databases (gnomAD no frequency). This variant has not been reported in the literature in individuals affected with BRCA1-related conditions. ClinVar contains an entry for this variant (Variation ID: 1692970). Advanced modeling of protein sequence and biophysical properties (such as structural, functional, and spatial information, amino acid conservation, physicochemical variation, residue mobility, and thermodynamic stability) performed at Invitae indicates that this missense variant is not expected to disrupt BRCA1 protein function with a negative predictive value of 95%. In summary, the available evidence is currently insufficient to determine the role of this variant in disease. Therefore, it has been classified as a Variant of Uncertain Significance.

Sema4
Classification: Uncertain significance for Hereditary cancer-predisposing syndrome. Last evaluated: 2021-10-26. Review status: criteria provided, single submitter. Criteria: Sema4 Curation Guidelines. Collection method: curation. Allele origin: germline.
Comment: To the best of our knowledge, the BRCA1 c.422A>T (p.E141V) variant has not been reported in individuals with BRCA1-related disease. It was not observed in the large and broad cohorts of the Genome Aggregation Database (PMID: 32461654), nor has it been reported in ClinVar. In silico predictions of the variant's effect on protein function are inconclusive. Functional studies demonstrated normal activity (PMID: 30219179, 25823446). The evidence is insufficient to meet ACMG/AMP criteria for classifying the variant as benign or pathogenic. Thus, the clinical significance of this variant is currently uncertain.

Literature cited by the submitters: PubMed 30219179 (cited by Sema4); PubMed 25823446 (cited by Sema4).

NM_007294.4(BRCA1):c.422A>T (p.Glu141Val)

Gene: BRCA1 (BRCA1 DNA repair associated; minus strand). Cytogenetic location: 17q21.31.
Variant type: single nucleotide variant.
Coding change: c.422A>T on transcript NM_007294.4 (MANE Select); coding-DNA position 422, A replaced by T.
Protein change: p.Glu141Val; replaces glutamic acid 141 with valine.
Molecular consequence: missense variant. On other transcripts: non-coding transcript variant (1).
Genome position (GRCh38, 1-based): chr17:43,104,141, T>A on the plus strand (A>T on the coding strand, the complement: BRCA1 is on the minus strand). VCF-style: chr17-43104141-T-A. GRCh37 (hg19) VCF-style: chr17-41256158-T-A.
Other names: c.281A>T, p.Glu94Val (NM_001408468.1, NM_001408469.1, NM_001408470.1 and 99 more transcripts); c.422A>T, p.Glu141Val (NM_001408472.1, NM_001408473.1, NM_001408494.1 and 165 more transcripts); c.344A>T, p.Glu115Val (NM_001408474.1, NM_001408475.1, NM_001408476.1 and 21 more transcripts); c.212A>T, p.Glu71Val (NM_001408478.1, NM_001408479.1, NM_001408480.1 and 58 more transcripts); c.41A>T, p.Glu14Val (NM_001408510.1, NM_001408512.1, NM_001407959.1 and 4 more transcripts); c.413A>T, p.Glu138Val (NM_001408408.1, NM_001407646.1, NM_001407647.1); c.290A>T, p.Glu97Val (NM_001408451.1); short protein forms E141V, E94V, E115V, E97V, E14V, E138V, E71V.
Identifiers: ClinVar variation 1692970 (VCV001692970.4), dbSNP rs2154548771, ClinGen allele CA10601300.